The following is an entry in ClinVar:

ClinVar aggregate classification (germline): Uncertain significance. Review status: criteria provided, multiple submitters, no conflicts (2 of 4 stars). 2 submissions from 2 submitters: Uncertain significance (2). Last evaluated 2025-09-21.

gnomAD v4.1: 2 of 1,614,028 alleles (0.00012%); highest among the groups gnomAD compares: South Asian, 0.0022%; no homozygotes.

Submissions (2):

Labcorp Genetics (formerly Invitae), Labcorp
Classification: Uncertain significance. Last evaluated: 2025-09-21. Review status: criteria provided, single submitter. Criteria: Invitae Variant Classification Sherloc (09022015). Collection method: clinical testing. Allele origin: germline.
Comment: This sequence change replaces methionine, which is neutral and non-polar, with leucine, which is neutral and non-polar, at codon 374 of the CLUAP1 protein (p.Met374Leu). This variant is not present in population databases (gnomAD no frequency). This variant has not been reported in the literature in individuals affected with CLUAP1-related conditions. ClinVar contains an entry for this variant (Variation ID: 3267932). Invitae Evidence Modeling of protein sequence and biophysical properties (such as structural, functional, and spatial information, amino acid conservation, physicochemical variation, residue mobility, and thermodynamic stability) indicates that this missense variant is not expected to disrupt CLUAP1 protein function with a negative predictive value of 80%. In summary, the available evidence is currently insufficient to determine the role of this variant in disease. Therefore, it has been classified as a Variant of Uncertain Significance.

Ambry Genetics
Classification: Uncertain significance. Last evaluated: 2024-05-29. Review status: criteria provided, single submitter. Criteria: Ambry Variant Classification Scheme 2023. Collection method: clinical testing. Allele origin: germline.

NM_015041.3(CLUAP1):c.1120A>T (p.Met374Leu)

Gene: CLUAP1 (clusterin associated protein 1; plus strand). Cytogenetic location: 16p13.3.
Variant type: single nucleotide variant.
Coding change: c.1120A>T on transcript NM_015041.3 (MANE Select); coding-DNA position 1120, A replaced by T.
Protein change: p.Met374Leu; replaces methionine 374 with leucine.
Molecular consequence: missense variant.
Genome position (GRCh38, 1-based): chr16:3,536,149, A>T. VCF-style: chr16-3536149-A-T. GRCh37 (hg19) VCF-style: chr16-3586149-A-T.
Other names: c.1177A>T, p.Met393Leu (NM_001330454.2); c.622A>T, p.Met208Leu (NM_024793.3); short protein forms M393L, M208L, M374L.
Identifiers: ClinVar variation 3267932 (VCV003267932.2).